The following is an entry in ClinVar:

NM_020812.4(DOCK6):c.3197del (p.Pro1066fs)

Gene: DOCK6 (dedicator of cytokinesis 6; minus strand). Cytogenetic location: 19p13.2.
Variant type: Deletion.
Coding change: c.3197del on transcript NM_020812.4 (MANE Select); coding-DNA position 3197, one base deleted (C; older notation c.3197delC).
Protein change: p.Pro1066fs; shifts the reading frame from proline 1066.
Molecular consequence: frameshift variant.
Genome position (GRCh38, 1-based): chr19:11,222,778, G deleted on the plus strand (C on the coding strand, the reverse complement: DOCK6 is on the minus strand); the first of 2 consecutive G bases (chr19:11,222,778-11,222,779); deleting either gives the same sequence. VCF-style (leftmost placement, unchanged base first): chr19-11222777-AG-A. GRCh37 (hg19) VCF-style: chr19-11333453-AG-A.
Other names: c.3302del, p.Pro1101fs (NM_001367830.1); short protein forms P1066fs, P1101fs.
Identifiers: ClinVar variation 4887094 (VCV004887094.1).
Genomic context (GRCh38, chr19:11,222,777, plus strand): 5'-GAAGTGAAGGCAGCCCACCTGGGAGGTGGTGGAGGACACAGAGGGGGAGGGCGAGGCTGG[AG>A]GTGACAGGGGGCAGCAGGGGAGGTTGAGGGTCACGTAGTGCTCGTGGCTGCACAGGATGC-3'

ClinVar aggregate classification (germline): Pathogenic (1 of 4 stars; one submission).

Conditions:
Fetal anomalies with a likely genetic cause.

Submission:

Genetics Laboratory, Great Ormond Street Hospital NHS Foundation Trust, North Thames Genomic Laboratory Hub
Classification: Pathogenic for Fetal anomalies with a likely genetic cause. Last evaluated: 2026-07-03. Review status: criteria provided, single submitter. Criteria: ACGS Best Practice Guidelines for Variant Classification in Rare Disease 2024 v1.2. Collection method: clinical testing. Allele origin: germline. Affected: yes.
Comment: PM2_moderate, PVS1_very-strong